The following is an entry in ClinVar:

NM_005477.3(HCN4):c.786-3C>A

Genes: HCN4 (hyperpolarization activated cyclic nucleotide gated potassium channel 4; minus strand), LOC105370890 (uncharacterized LOC105370890; plus strand), LOC126862173 (CDK7 strongly-dependent group 2 enhancer GRCh37_chr15:73635762-73636961; plus strand). Cytogenetic location: 15q24.1.
Variant type: single nucleotide variant.
Coding change: c.786-3C>A on transcript NM_005477.3 (MANE Select); 3 bases into the intron before coding-DNA position 786, C replaced by A.
Molecular consequence: intron variant.
Genome position (GRCh38, 1-based): chr15:73,343,811, G>T on the plus strand (C>A on the coding strand, the complement: HCN4 is on the minus strand). VCF-style: chr15-73343811-G-T. GRCh37 (hg19) VCF-style: chr15-73636152-G-T.
Identifiers: ClinVar variation 3669551 (VCV003669551.2).

ClinVar aggregate classification (germline): Uncertain significance (1 of 4 stars; one submission).

Conditions:
Brugada syndrome 8 (BRGDA8). Identifiers: Orphanet 130, MedGen C2751083, MONDO:0013148, OMIM 613123.

gnomAD v4.1: 1 of 1,613,744 alleles (0.000062%); highest among the groups gnomAD compares: South Asian, 0.0011%; no homozygotes.

Submission:

Labcorp Genetics (formerly Invitae), Labcorp
Classification: Uncertain significance for Brugada syndrome 8. Last evaluated: 2024-11-19. Review status: criteria provided, single submitter. Criteria: Invitae Variant Classification Sherloc (09022015). Collection method: clinical testing. Allele origin: germline.
Comment: This sequence change falls in intron 1 of the HCN4 gene. It does not directly change the encoded amino acid sequence of the HCN4 protein. It affects a nucleotide within the consensus splice site. This variant is not present in population databases (gnomAD no frequency). This variant has not been reported in the literature in individuals affected with HCN4-related conditions. Variants that disrupt the consensus splice site are a relatively common cause of aberrant splicing (PMID: 17576681, 9536098). Algorithms developed to predict the effect of sequence changes on RNA splicing suggest that this variant may disrupt the consensus splice site. In summary, the available evidence is currently insufficient to determine the role of this variant in disease. Therefore, it has been classified as a Variant of Uncertain Significance.

Literature cited by the submitters: PubMed 17576681; PubMed 9536098.